The following is an entry in ClinVar:

ClinVar aggregate classification (germline): Uncertain significance (1 of 4 stars; one submission).

Conditions:
Landau-Kleffner syndrome (FESD). Also called: EPILEPSY, FOCAL, WITH SPEECH DISORDER AND WITH OR WITHOUT MENTAL RETARDATION; APHASIA, ACQUIRED, WITH EPILEPSY. Identifiers: Orphanet 1945, Orphanet 725, Orphanet 98818, MedGen C0282512, MONDO:0009509, OMIM 245570.

Submission:

Labcorp Genetics (formerly Invitae), Labcorp
Classification: Uncertain significance for Landau-Kleffner syndrome. Last evaluated: 2024-06-18. Review status: criteria provided, single submitter. Criteria: Invitae Variant Classification Sherloc (09022015). Collection method: clinical testing. Allele origin: germline.
Comment: This sequence change replaces leucine, which is neutral and non-polar, with proline, which is neutral and non-polar, at codon 240 of the GRIN2A protein (p.Leu240Pro). This variant is not present in population databases (gnomAD no frequency). This variant has not been reported in the literature in individuals affected with GRIN2A-related conditions. Advanced modeling of protein sequence and biophysical properties (such as structural, functional, and spatial information, amino acid conservation, physicochemical variation, residue mobility, and thermodynamic stability) performed at Invitae indicates that this missense variant is expected to disrupt GRIN2A protein function with a positive predictive value of 95%. In summary, the available evidence is currently insufficient to determine the role of this variant in disease. Therefore, it has been classified as a Variant of Uncertain Significance.

NM_001134407.3(GRIN2A):c.719T>C (p.Leu240Pro)

Gene: GRIN2A (glutamate ionotropic receptor NMDA type subunit 2A; minus strand). Cytogenetic location: 16p13.2.
Variant type: single nucleotide variant.
Coding change: c.719T>C on transcript NM_001134407.3 (MANE Select); coding-DNA position 719, T replaced by C.
Protein change: p.Leu240Pro; replaces leucine 240 with proline.
Molecular consequence: missense variant.
Genome position (GRCh38, 1-based): chr16:9,938,247, A>G on the plus strand (T>C on the coding strand, the complement: GRIN2A is on the minus strand). VCF-style: chr16-9938247-A-G. GRCh37 (hg19) VCF-style: chr16-10032104-A-G.
Other names: c.719T>C, p.Leu240Pro (NM_000833.5, NM_001134408.2); short protein forms L240P.
Identifiers: ClinVar variation 3656917 (VCV003656917.2).
Genomic context (GRCh38, chr16:9,938,247, plus strand): 5'-AAGCTGGGGACAATCCAGAAGAAATCATACCCGGTGAGGCCAAGGGAGCGGGCCTCACTC[A>G]GAATGAGAACAGCCTCGTCTTTGGAACAGTAGAGCAAGATGACAGAAGAGTGGATCTTCT-3'
Protein context (NP_001127879.1, residues 230-250): YCSKDEAVLI[Leu240Pro]SEARSLGLTG